The following is an entry in ClinVar:

NM_015506.3(MMACHC):c.439G>C (p.Gly147Arg)

Gene: MMACHC (metabolism of cobalamin associated C; plus strand). Cytogenetic location: 1p34.1.
Variant type: single nucleotide variant.
Coding change: c.439G>C on transcript NM_015506.3 (MANE Select); coding-DNA position 439, G replaced by C.
Protein change: p.Gly147Arg; replaces glycine 147 with arginine.
Molecular consequence: missense variant.
Genome position (GRCh38, 1-based): chr1:45,508,805, G>C. VCF-style: chr1-45508805-G-C. GRCh37 (hg19) VCF-style: chr1-45974477-G-C.
Other names: c.268G>C, p.Gly90Arg (NM_001330540.2); short protein forms G90R, G147R.
Identifiers: ClinVar variation 2115578 (VCV002115578.4), dbSNP rs1553162901, ClinGen allele CA340133002.

ClinVar aggregate classification (germline): Likely pathogenic (1 of 4 stars; one submission).

Conditions:
Cobalamin C disease. Also called: methylmalonic aciduria and homocystinuria type cblC; Methylmalonic aciduria with homocystinuria cblC type; Cobalamin-C methylmalonic acidemia and homocystinuria; Methylmalonic acidemia and homocystinuria cblC type; Methylmalonic aciduria and homocystinuria, Vitamin B12-responsive; Vitamin B12 metabolic defect with combined deficiency of methylmalonyl-CoA mutase and homocysteine:methyltetrahydrofolate methyltransferase. Identifiers: Orphanet 26, Orphanet 79282, MedGen C1848561, MONDO:0010184, OMIM 277400.

Submission:

Labcorp Genetics (formerly Invitae), Labcorp
Classification: Likely pathogenic for Cobalamin C disease. Last evaluated: 2024-05-15. Review status: criteria provided, single submitter. Criteria: Invitae Variant Classification Sherloc (09022015). Collection method: clinical testing. Allele origin: germline.
Comment: This sequence change replaces glycine, which is neutral and non-polar, with arginine, which is basic and polar, at codon 147 of the MMACHC protein (p.Gly147Arg). This variant is not present in population databases (gnomAD no frequency). This variant has not been reported in the literature in individuals affected with MMACHC-related conditions. ClinVar contains an entry for this variant (Variation ID: 2115578). Advanced modeling of protein sequence and biophysical properties (such as structural, functional, and spatial information, amino acid conservation, physicochemical variation, residue mobility, and thermodynamic stability) has been performed at Invitae for this missense variant, however the output from this modeling did not meet the statistical confidence thresholds required to predict the impact of this variant on MMACHC protein function. This variant disrupts the p.Gly147 amino acid residue in MMACHC. Other variant(s) that disrupt this residue have been determined to be pathogenic (PMID: 19370762, 19700356, 25689098, 26825575). This suggests that this residue is clinically significant, and that variants that disrupt this residue are likely to be disease-causing. In summary, the currently available evidence indicates that the variant is pathogenic, but additional data are needed to prove that conclusively. Therefore, this variant has been classified as Likely Pathogenic.

Literature cited by the submitters: PubMed 19370762; PubMed 19700356; PubMed 25689098; PubMed 26825575.